The following is an entry in ClinVar:

ClinVar aggregate classification (germline): Uncertain significance (1 of 4 stars; one submission).

Conditions:
Hereditary diffuse gastric adenocarcinoma (HDGC). Also called: DIFFUSE GASTRIC AND LOBULAR BREAST CANCER SYNDROME. Identifiers: Orphanet 26106, MedGen C1708349, MONDO:0007648, OMIM 137215.

Allele frequency attached by ClinVar (database versions not stated): gnomAD exomes below 0.00001.
gnomAD v4.1: 1 of 1,614,054 alleles (0.000062%); highest among the groups gnomAD compares: Non-Finnish European, 0.000085%; no homozygotes.

Submission:

Labcorp Genetics (formerly Invitae), Labcorp
Classification: Uncertain significance for Hereditary diffuse gastric adenocarcinoma. Last evaluated: 2022-12-16. Review status: criteria provided, single submitter. Criteria: Invitae Variant Classification Sherloc (09022015). Collection method: clinical testing. Allele origin: germline.
Comment: This variant is not present in population databases (gnomAD no frequency). This sequence change replaces glutamine, which is neutral and polar, with leucine, which is neutral and non-polar, at codon 765 of the CDH1 protein (p.Gln765Leu). This variant has not been reported in the literature in individuals affected with CDH1-related conditions. Algorithms developed to predict the effect of missense changes on protein structure and function are either unavailable or do not agree on the potential impact of this missense change (SIFT: "Deleterious"; PolyPhen-2: "Probably Damaging"; Align-GVGD: "Class C0"). Algorithms developed to predict the effect of sequence changes on RNA splicing suggest that this variant may create or strengthen a splice site. In summary, the available evidence is currently insufficient to determine the role of this variant in disease. Therefore, it has been classified as a Variant of Uncertain Significance.

NM_004360.5(CDH1):c.2294A>T (p.Gln765Leu)

Gene: CDH1 (cadherin 1; plus strand). Cytogenetic location: 16q22.1.
Variant type: single nucleotide variant.
Coding change: c.2294A>T on transcript NM_004360.5 (MANE Select); coding-DNA position 2294, A replaced by T.
Protein change: p.Gln765Leu; replaces glutamine 765 with leucine.
Molecular consequence: missense variant.
Genome position (GRCh38, 1-based): chr16:68,828,303, A>T. VCF-style: chr16-68828303-A-T. GRCh37 (hg19) VCF-style: chr16-68862206-A-T.
Other names: c.2111A>T, p.Gln704Leu (NM_001317184.2); c.746A>T, p.Gln249Leu (NM_001317185.2); c.329A>T, p.Gln110Leu (NM_001317186.2); short protein forms Q249L, Q704L, Q110L, Q765L.
Identifiers: ClinVar variation 2821357 (VCV002821357.3), dbSNP rs2152141597, ClinGen allele CA396470150.
Genomic context (GRCh38, chr16:68,828,303, plus strand): 5'-AGGATGACACCCGGGACAACGTTTATTACTATGATGAAGAAGGAGGCGGAGAAGAGGACC[A>T]GGTGGGTTTTGAAAACCTTGGTAGCTCAGTGGTGATCTCTTTATTCGGAAGAAGCAATGA-3'
Protein context (NP_004351.1, residues 755-775): YDEEGGGEED[Gln765Leu]DFDLSQLHRG